The following is an entry in ClinVar:

ClinVar aggregate classification (germline): Uncertain significance (1 of 4 stars; one submission).

Conditions:
Severe combined immunodeficiency, autosomal recessive, T cell-negative, B cell-negative, NK cell-positive. Also called: SCID, AR, T-cell negative, B-cell negative, NK cell-positive; SCID, T CELL-NEGATIVE, B CELL-NEGATIVE, NK CELL-POSITIVE; Severe combined immunodeficiency due to complete RAG1/2 deficiency. Identifiers: Orphanet 331206, MedGen C1832322, MONDO:0011086, OMIM 601457.
Combined immunodeficiency with skin granulomas. Identifiers: Orphanet 157949, MedGen C2673536, MONDO:0009306, OMIM 233650.

Allele frequency attached by ClinVar (database versions not stated): TOPMed below 0.00001.

Submission:

Labcorp Genetics (formerly Invitae), Labcorp
Classification: Uncertain significance for Combined immunodeficiency with skin granulomas; Severe combined immunodeficiency, autosomal recessive, T cell-negative, B cell-negative, NK cell-positive. Last evaluated: 2023-12-26. Review status: criteria provided, single submitter. Criteria: Invitae Variant Classification Sherloc (09022015). Collection method: clinical testing. Allele origin: germline.
Comment: This sequence change replaces valine, which is neutral and non-polar, with isoleucine, which is neutral and non-polar, at codon 6 of the RAG2 protein (p.Val6Ile). This variant is not present in population databases (gnomAD no frequency). This variant has not been reported in the literature in individuals affected with RAG2-related conditions. Advanced modeling of protein sequence and biophysical properties (such as structural, functional, and spatial information, amino acid conservation, physicochemical variation, residue mobility, and thermodynamic stability) performed at Invitae indicates that this missense variant is not expected to disrupt RAG2 protein function with a negative predictive value of 95%. In summary, the available evidence is currently insufficient to determine the role of this variant in disease. Therefore, it has been classified as a Variant of Uncertain Significance.

NM_000536.4(RAG2):c.16G>A (p.Val6Ile)

Gene: RAG2 (recombination activating 2; minus strand). Cytogenetic location: 11p12.
Variant type: single nucleotide variant.
Coding change: c.16G>A on transcript NM_000536.4 (MANE Select); coding-DNA position 16, G replaced by A.
Protein change: p.Val6Ile; replaces valine 6 with isoleucine.
Molecular consequence: missense variant.
Genome position (GRCh38, 1-based): chr11:36,594,153, C>T on the plus strand (G>A on the coding strand, the complement: RAG2 is on the minus strand). VCF-style: chr11-36594153-C-T. GRCh37 (hg19) VCF-style: chr11-36615703-C-T.
Other names: c.16G>A, p.Val6Ile (NM_001243785.2, NM_001243786.2); short protein forms V6I.
Identifiers: ClinVar variation 2921722 (VCV002921722.3), dbSNP rs1851108946, ClinGen allele CA380145263.